The following is an entry in ClinVar:

NM_000051.4(ATM):c.3161C>A (p.Pro1054His)

Gene: ATM (ATM serine/threonine kinase; plus strand). Cytogenetic location: 11q22.3.
Variant type: single nucleotide variant.
Coding change: c.3161C>A on transcript NM_000051.4 (MANE Select); coding-DNA position 3161, C replaced by A.
Protein change: p.Pro1054His; replaces proline 1054 with histidine.
Molecular consequence: missense variant.
Genome position (GRCh38, 1-based): chr11:108,272,729, C>A. VCF-style: chr11-108272729-C-A. GRCh37 (hg19) VCF-style: chr11-108143456-C-A.
Other names: c.3161C>A, p.Pro1054His (NM_001351834.2); short protein forms P1054H.
Identifiers: ClinVar variation 419747 (VCV000419747.20), dbSNP rs1800057, ClinGen allele CA16619155.
Genomic context (GRCh38, chr11:108,272,729, plus strand): 5'-TTAATGAGTAATTTTTCTCTATTTCATATTTAACCACAGTTCTTTTCCCGTAGGCTGATC[C>A]TTATTCAAAATGGGCCATTCTTAATGTAATGGGAAAAGACTTTCCTGTAAATGAAGTATT-3'
Protein context (NP_000042.3, residues 1044-1064): NCLKTLLEAD[Pro1054His]YSKWAILNVM

ClinVar aggregate classification (germline): Uncertain significance. Review status: criteria provided, multiple submitters, no conflicts (2 of 4 stars). 5 submissions from 5 submitters: Uncertain significance (5). Last evaluated 2025-03-02.

Conditions:
Hereditary cancer-predisposing syndrome. Also called: Hereditary neoplastic syndrome; Hereditary Cancer Syndrome; Neoplastic Syndromes, Hereditary; Tumor predisposition. Identifiers: Orphanet 140162, MedGen C0027672, MeSH D009386, MONDO:0015356.
Ataxia-telangiectasia syndrome (AT). Also called: Ataxia-telangiectasia, complementation group D; Cerebello-oculocutaneous telangiectasia; Immunodeficiency with ataxia telangiectasia; ATAXIA-TELANGIECTASIA, COMPLEMENTATION GROUP A; ATAXIA-TELANGIECTASIA, FRESNO VARIANT; LOUIS-BAR SYNDROME. Identifiers: Orphanet 100, MedGen C0004135, MONDO:0008840, OMIM 208900.
Familial cancer of breast. Also called: hereditary breast carcinoma; Hereditary breast cancer; BREAST CANCER, FAMILIAL. Identifiers: Orphanet 227535, MedGen C0346153, MONDO:0016419, OMIM 114480. Disease mechanism: loss of function.

Allele frequency attached by ClinVar (database versions not stated): TOPMed 0.00002.
gnomAD v4.1: 1 of 1,613,576 alleles (0.000062%); highest among the groups gnomAD compares: Non-Finnish European, 0.000085%; no homozygotes.

Submissions (5):

Labcorp Genetics (formerly Invitae), Labcorp
Classification: Uncertain significance for Ataxia-telangiectasia syndrome. Last evaluated: 2025-03-02. Review status: criteria provided, single submitter. Criteria: Invitae Variant Classification Sherloc (09022015). Collection method: clinical testing. Allele origin: germline.
Comment: This sequence change replaces proline, which is neutral and non-polar, with histidine, which is basic and polar, at codon 1054 of the ATM protein (p.Pro1054His). This variant is not present in population databases (gnomAD no frequency). This variant has not been reported in the literature in individuals affected with ATM-related conditions. ClinVar contains an entry for this variant (Variation ID: 419747). Invitae Evidence Modeling of protein sequence and biophysical properties (such as structural, functional, and spatial information, amino acid conservation, physicochemical variation, residue mobility, and thermodynamic stability) has been performed for this missense variant. However, the output from this modeling did not meet the statistical confidence thresholds required to predict the impact of this variant on ATM protein function. In summary, the available evidence is currently insufficient to determine the role of this variant in disease. Therefore, it has been classified as a Variant of Uncertain Significance.

Ambry Genetics
Classification: Uncertain significance for Hereditary cancer-predisposing syndrome. Last evaluated: 2024-09-06. Review status: criteria provided, single submitter. Criteria: Ambry Variant Classification Scheme 2023. Collection method: clinical testing. Allele origin: germline.
Comment: The p.P1054H variant (also known as c.3161C>A), located in coding exon 21 of the ATM gene, results from a C to A substitution at nucleotide position 3161. The proline at codon 1054 is replaced by histidine, an amino acid with similar properties. This variant has been identified in the homozygous state and/or in conjunction with other ATM variant(s) in individual(s), but clinical details were limited (Hiz Kurul S et al. Brain, 2022 May;145:1507-1518). This amino acid position is highly conserved in available vertebrate species. In addition, the in silico prediction for this alteration is inconclusive. Based on the available evidence, the clinical significance of this variant remains unclear.

Baylor Genetics
Classification: Uncertain significance for Familial cancer of breast. Last evaluated: 2024-02-06. Review status: criteria provided, single submitter. Criteria: ACMG Guidelines, 2015. Collection method: clinical testing. Allele origin: unknown.

GeneDx
Classification: Uncertain significance. Last evaluated: 2024-01-03. Review status: criteria provided, single submitter. Criteria: GeneDx Variant Classification Process June 2021. Collection method: clinical testing. Allele origin: germline. Affected: yes.
Comment: In silico analysis supports that this missense variant has a deleterious effect on protein structure/function; Not observed at significant frequency in large population cohorts (gnomAD); This variant is associated with the following publications: (PMID: 19781682, 34791078)

Fulgent Genetics
Classification: Uncertain significance for Familial cancer of breast; Ataxia-telangiectasia syndrome. Last evaluated: 2021-09-11. Review status: criteria provided, single submitter. Criteria: ACMG Guidelines, 2015. Collection method: clinical testing. Allele origin: unknown.

Literature cited by the submitters: PubMed 34791078 (cited by Ambry Genetics).